The following is an entry in ClinVar:

ClinVar aggregate classification (germline): Uncertain significance. Review status: criteria provided, multiple submitters, no conflicts (2 of 4 stars). 4 submissions from 4 submitters: Uncertain significance (4). Last evaluated 2025-03-31.

Conditions:
Arrhythmogenic right ventricular cardiomyopathy (ARVD). Also called: Arrhythmogenic cardiomyopathy; Arrhythmogenic Right Ventricular Cardiomyopathy (ARVC); Arrhythmogenic right ventricular dysplasia; Cardiomyopathy, ARVC. Identifiers: Orphanet 247, MedGen C0349788, MeSH D019571, MONDO:0016587. Disease mechanism: loss of function. Inheritance: Various modes of inheritance.
Arrhythmogenic right ventricular dysplasia 10. Also called: Arrhythmogenic Right Ventricular Dysplasia/Cardiomyopathy10; Arrhythmogenic right ventricular dysplasia/cardiomyopathy, type 10; ARRHYTHMOGENIC RIGHT VENTRICULAR DYSPLASIA, FAMILIAL, 10. Identifiers: MedGen C1857777, MONDO:0012434, OMIM 610193.
Cardiomyopathy (CMYO). Also called: Cardiomyopathies. Identifiers: Orphanet 167848, MedGen C0878544, MONDO:0004994, HP:0001638. Inheritance: Various modes of inheritance.

Allele frequency attached by ClinVar (database versions not stated): ExAC 0.00001; gnomAD 0.00001; gnomAD exomes 0.00001; TOPMed 0.00001.
gnomAD v4.1: 11 of 1,614,040 alleles (0.00068%); highest among the groups gnomAD compares: East Asian, 0.02%; no homozygotes.

Submissions (4):

Color Diagnostics, LLC DBA Color Health
Classification: Uncertain significance for Cardiomyopathy. Last evaluated: 2025-03-31. Review status: criteria provided, single submitter. Criteria: ACMG Guidelines, 2015. Collection method: clinical testing. Allele origin: germline.
Comment: This missense variant replaces isoleucine with threonine at codon 651 of the DSG2 protein. Computational prediction suggests that this variant may not impact protein structure and function (internally defined REVEL score threshold <= 0.5, PMID: 27666373). To our knowledge, functional studies have not been reported for this variant. This variant has not been reported in individuals affected with cardiovascular disorders in the literature. This variant has not been identified in the general population by the Genome Aggregation Database (gnomAD). The available evidence is insufficient to determine the role of this variant in disease conclusively. Therefore, this variant is classified as a Variant of Uncertain Significance.

All of Us Research Program, National Institutes of Health
Classification: Uncertain significance for Arrhythmogenic right ventricular cardiomyopathy. Last evaluated: 2023-10-02. Review status: criteria provided, single submitter. Criteria: ACMG Guidelines, 2015. Collection method: clinical testing. Allele origin: germline. Inheritance: Autosomal dominant inheritance. Observed: 1 variant allele, 1 heterozygote.
Comment: This missense variant replaces isoleucine with threonine at codon 651 of the DSG2 protein. Computational prediction suggests that this variant may not impact protein structure and function (internally defined REVEL score threshold <= 0.5, PMID: 27666373). To our knowledge, functional studies have not been reported for this variant. This variant has not been reported in individuals affected with cardiovascular disorders in the literature. This variant has not been identified in the general population by the Genome Aggregation Database (gnomAD). The available evidence is insufficient to determine the role of this variant in disease conclusively. Therefore, this variant is classified as a Variant of Uncertain Significance.

This study involves interpretation of variants in research participants for the purpose of population health screening. Participant phenotype was not available at the time of variant classification. Additional details can be found in publication PMID: 35346344, PMCID: PMC8962531

Blueprint Genetics
Classification: Uncertain significance. Last evaluated: 2023-02-24. Review status: criteria provided, single submitter. Criteria: ACMG Guidelines, 2015. Collection method: clinical testing. Allele origin: germline.

Labcorp Genetics (formerly Invitae), Labcorp
Classification: Uncertain significance for Arrhythmogenic right ventricular dysplasia 10. Last evaluated: 2022-02-10. Review status: criteria provided, single submitter. Criteria: Invitae Variant Classification Sherloc (09022015). Collection method: clinical testing. Allele origin: germline.
Comment: This variant has not been reported in the literature in individuals affected with DSG2-related conditions. This variant is not present in population databases (gnomAD no frequency). This sequence change replaces isoleucine, which is neutral and non-polar, with threonine, which is neutral and polar, at codon 651 of the DSG2 protein (p.Ile651Thr). In summary, the available evidence is currently insufficient to determine the role of this variant in disease. Therefore, it has been classified as a Variant of Uncertain Significance. Algorithms developed to predict the effect of missense changes on protein structure and function (SIFT, PolyPhen-2, Align-GVGD) all suggest that this variant is likely to be tolerated. ClinVar contains an entry for this variant (Variation ID: 576836).

NM_001943.5(DSG2):c.1952T>C (p.Ile651Thr)

Gene: DSG2 (desmoglein 2; plus strand). Cytogenetic location: 18q12.1.
Variant type: single nucleotide variant.
Coding change: c.1952T>C on transcript NM_001943.5 (MANE Select); coding-DNA position 1952, T replaced by C.
Protein change: p.Ile651Thr; replaces isoleucine 651 with threonine.
Molecular consequence: missense variant.
Genome position (GRCh38, 1-based): chr18:31,541,265, T>C. VCF-style: chr18-31541265-T-C. GRCh37 (hg19) VCF-style: chr18-29121228-T-C.
Other names: c.1952T>C (LRG_397t1); short protein forms I651T.
Identifiers: ClinVar variation 576836 (VCV000576836.17), dbSNP rs766353242, ClinGen allele CA044381.